The following is an entry in ClinVar:

NM_000521.4(HEXB):c.739C>T (p.Gln247Ter)

Gene: HEXB (hexosaminidase subunit beta; plus strand). Cytogenetic location: 5q13.3.
Variant type: single nucleotide variant.
Coding change: c.739C>T on transcript NM_000521.4 (MANE Select); coding-DNA position 739, C replaced by T.
Protein change: p.Gln247Ter; replaces glutamine 247 with a stop codon.
Molecular consequence: nonsense.
Genome position (GRCh38, 1-based): chr5:74,705,288, C>T. VCF-style: chr5-74705288-C-T. GRCh37 (hg19) VCF-style: chr5-74001113-C-T.
Other names: c.64C>T, p.Gln22Ter (NM_001292004.2); short protein forms Q22*, Q247*.
Identifiers: ClinVar variation 984364 (VCV000984364.3), dbSNP rs1749359626, ClinGen allele CA360065733.

ClinVar aggregate classification (germline): Likely pathogenic (1 of 4 stars; one submission).

Conditions:
Sandhoff disease. Also called: GM2-GANGLIOSIDOSIS, TYPE II; Beta-hexosaminidase-beta-subunit deficiency; GM2 gangliosidosis, type 2; Total hexosaminidase deficiency; Sandhoff-Jatzkewitz-Pilz disease; HEXOSAMINIDASES A AND B DEFICIENCY. Identifiers: Orphanet 796, MedGen C0036161, MONDO:0010006, OMIM 268800.

Submission:

Myriad Genetics, Inc.
Classification: Likely pathogenic for Sandhoff disease. Last evaluated: 2019-01-21. Review status: criteria provided, single submitter. Criteria: Myriad Women's Health Autosomal Recessive and X-Linked Classification Criteria (2019). Collection method: clinical testing. Allele origin: unknown.
Comment: NM_000521.3(HEXB):c.739C>T(Q247*) is expected to be pathogenic in the context of Sandhoff disease. This variant is predicted to lead to an abnormal or absent protein product due to the creation of a premature termination codon in HEXB, a gene where loss-of-function variants are known to be pathogenic. Please note: this variant was assessed in the context of healthy population screening.